The following is an entry in ClinVar:

NM_001283009.2(RTEL1):c.893A>C (p.Glu298Ala)

Genes: RTEL1-TNFRSF6B (RTEL1-TNFRSF6B readthrough (NMD candidate); plus strand), RTEL1 (regulator of telomere elongation helicase 1; plus strand). Cytogenetic location: 20q13.33.
Variant type: single nucleotide variant.
Coding change: c.893A>C on transcript NM_001283009.2 (MANE Select); coding-DNA position 893, A replaced by C.
Protein change: p.Glu298Ala; replaces glutamic acid 298 with alanine.
Molecular consequence: missense variant. On other transcripts: non-coding transcript variant (1).
Genome position (GRCh38, 1-based): chr20:63,674,067, A>C. VCF-style: chr20-63674067-A-C. GRCh37 (hg19) VCF-style: chr20-62305420-A-C.
Other names: c.224A>C, p.Glu75Ala (NM_001283010.1); c.893A>C, p.Glu298Ala (NM_016434.4); c.965A>C, p.Glu322Ala (NM_032957.5); c.965A>C (NM_032957.4); short protein forms E298A, E322A, E75A.
Identifiers: ClinVar variation 1434431 (VCV001434431.8), dbSNP rs371358427, ClinGen allele CA409673030.

ClinVar aggregate classification (germline): Uncertain significance. Review status: criteria provided, multiple submitters, no conflicts (2 of 4 stars). 3 submissions from 3 submitters: Uncertain significance (3). Last evaluated 2025-12-17.

Conditions:
Inborn genetic diseases. Identifiers: MedGen C0950123, MeSH D030342.
Dyskeratosis congenita, autosomal recessive 5 (DKCB5). Identifiers: MedGen C3554656, MONDO:0014076, OMIM 615190.
Pulmonary fibrosis and/or bone marrow failure, Telomere-related, 3. Also called: PULMONARY FIBROSIS AND/OR BONE MARROW FAILURE SYNDROME, TELOMERE-RELATED, 3. Identifiers: Orphanet 2032, MedGen C4225346, MONDO:0014613, OMIM 616373.

gnomAD v4.1: 3 of 1,613,084 alleles (0.00019%); highest among the groups gnomAD compares: Non-Finnish European, 0.000085%; no homozygotes.

Submissions (3):

Ambry Genetics
Classification: Uncertain significance for Inborn genetic diseases. Last evaluated: 2025-12-17. Review status: criteria provided, single submitter. Criteria: Ambry Variant Classification Scheme 2023. Collection method: clinical testing. Allele origin: germline.
Comment: The p.E298A variant (also known as c.893A>C), located in coding exon 9 of the RTEL1 gene, results from an A to C substitution at nucleotide position 893. The glutamic acid at codon 298 is replaced by alanine, an amino acid with dissimilar properties. This amino acid position is conserved. In addition, this alteration is predicted to be tolerated by in silico analysis. Based on the available evidence, the clinical significance of this variant remains unclear.

Labcorp Genetics (formerly Invitae), Labcorp
Classification: Uncertain significance for Dyskeratosis congenita, autosomal recessive 5; Pulmonary fibrosis and/or bone marrow failure, Telomere-related, 3. Last evaluated: 2025-06-12. Review status: criteria provided, single submitter. Criteria: Invitae Variant Classification Sherloc (09022015). Collection method: clinical testing. Allele origin: germline.
Comment: This sequence change replaces glutamic acid, which is acidic and polar, with alanine, which is neutral and non-polar, at codon 298 of the RTEL1 protein (p.Glu298Ala). This variant is present in population databases (no rsID available, gnomAD 0.01%). This variant has not been reported in the literature in individuals affected with RTEL1-related conditions. ClinVar contains an entry for this variant (Variation ID: 1434431). An algorithm developed to predict the effect of missense changes on protein structure and function outputs the following: PolyPhen-2: "Benign". The alanine amino acid residue is found in multiple mammalian species, which suggests that this missense change does not adversely affect protein function. In summary, the available evidence is currently insufficient to determine the role of this variant in disease. Therefore, it has been classified as a Variant of Uncertain Significance.

GeneDx
Classification: Uncertain significance. Last evaluated: 2024-04-05. Review status: criteria provided, single submitter. Criteria: GeneDx Variant Classification Process June 2021. Collection method: clinical testing. Allele origin: germline. Affected: yes.
Comment: Not observed at significant frequency in large population cohorts (gnomAD); In silico analysis supports that this missense variant has a deleterious effect on protein structure/function; Has not been previously published as pathogenic or benign to our knowledge